The following is an entry in ClinVar:

ClinVar aggregate classification (germline): Likely benign (1 of 4 stars; one submission).

Conditions:
Cardiomyopathy (CMYO). Also called: Cardiomyopathies. Identifiers: Orphanet 167848, MedGen C0878544, MONDO:0004994, HP:0001638. Inheritance: Various modes of inheritance.

Submission:

All of Us Research Program, National Institutes of Health
Classification: Likely benign for Cardiomyopathy. Last evaluated: 2024-07-20. Review status: criteria provided, single submitter. Criteria: ACMG Guidelines, 2015. Collection method: clinical testing. Allele origin: germline. Inheritance: Autosomal dominant inheritance. Observed: 1 variant allele, 1 heterozygote.
Comment: This study involves interpretation of variants in research participants for the purpose of population health screening. Participant phenotype was not available at the time of variant classification. Additional details can be found in publication PMID: 35346344, PMCID: PMC8962531

NM_000257.4(MYH7):c.2139C>A (p.Ile713=)

Gene: MYH7 (myosin heavy chain 7; minus strand). Cytogenetic location: 14q11.2.
Variant type: single nucleotide variant.
Coding change: c.2139C>A on transcript NM_000257.4 (MANE Select); coding-DNA position 2139, C replaced by A.
Protein change: p.Ile713=; no amino-acid change (isoleucine 713 retained).
Molecular consequence: synonymous variant.
Genome position (GRCh38, 1-based): chr14:23,425,987, G>T on the plus strand (C>A on the coding strand, the complement: MYH7 is on the minus strand). VCF-style: chr14-23425987-G-T. GRCh37 (hg19) VCF-style: chr14-23895196-G-T.
Other names: c.2139C>A, p.Ile713= (NM_001407004.1).
Identifiers: ClinVar variation 3387340 (VCV003387340.1).